The following is an entry in ClinVar:

NM_015465.5(GEMIN5):c.3214G>A (p.Ala1072Thr)

Gene: GEMIN5 (gem nuclear organelle associated protein 5; minus strand). Cytogenetic location: 5q33.2.
Variant type: single nucleotide variant.
Coding change: c.3214G>A on transcript NM_015465.5 (MANE Select); coding-DNA position 3214, G replaced by A.
Protein change: p.Ala1072Thr; replaces alanine 1072 with threonine.
Molecular consequence: missense variant.
Genome position (GRCh38, 1-based): chr5:154,898,571, C>T on the plus strand (G>A on the coding strand, the complement: GEMIN5 is on the minus strand). VCF-style: chr5-154898571-C-T. GRCh37 (hg19) VCF-style: chr5-154278131-C-T.
Other names: c.3211G>A, p.Ala1071Thr (NM_001252156.2); short protein forms A1071T, A1072T.
Identifiers: ClinVar variation 3372565 (VCV003372565.1).

ClinVar aggregate classification (germline): Uncertain significance (1 of 4 stars; one submission).

gnomAD v4.1: 256 of 1,614,200 alleles (0.016%); highest among the groups gnomAD compares: East Asian, 0.53%; no homozygotes.

Submission:

GeneDx
Classification: Uncertain significance. Last evaluated: 2024-04-21. Review status: criteria provided, single submitter. Criteria: GeneDx Variant Classification Process June 2021. Collection method: clinical testing. Allele origin: germline. Affected: yes.
Comment: In silico analysis indicates that this missense variant does not alter protein structure/function; Has not been previously published as pathogenic or benign to our knowledge